The following is an entry in ClinVar:

NM_001754.5(RUNX1):c.115C>T (p.Arg39Cys)

Gene: RUNX1 (RUNX family transcription factor 1; minus strand). Cytogenetic location: 21q22.12.
Variant type: single nucleotide variant.
Coding change: c.115C>T on transcript NM_001754.5 (MANE Select); coding-DNA position 115, C replaced by T.
Protein change: p.Arg39Cys; replaces arginine 39 with cysteine.
Molecular consequence: missense variant.
Genome position (GRCh38, 1-based): chr21:34,887,079, G>A on the plus strand (C>T on the coding strand, the complement: RUNX1 is on the minus strand). VCF-style: chr21-34887079-G-A. GRCh37 (hg19) VCF-style: chr21-36259376-G-A.
Other names: NM_001754.5(RUNX1):c.115C>T; p.Arg39Cys; c.34C>T, p.Arg12Cys (NM_001001890.3, NM_001122607.2); short protein forms R39C, R12C.
Identifiers: ClinVar variation 934759 (VCV000934759.12), dbSNP rs1204043122, ClinGen allele CA410204280.
Genomic context (GRCh38, chr21:34,887,079, plus strand): 5'-CCAGCGGCAACGCCTCGCTCATCTTGCCTGGGCTCAGCGCGGTGGAAGGCGGCGTGAAGC[G>A]GCGGCTCGTGCTGGCATCTACGGGGATACGCATCACAACAAGCCGATTGAGTTAGGACCC-3'
Protein context (NP_001745.2, residues 29-49): RDVHDASTSR[Arg39Cys]FTPPSTALSP

ClinVar aggregate classification (germline): Uncertain significance. Review status: reviewed by expert panel (3 of 4 stars). 4 submissions from 4 submitters: Uncertain significance (1). 3 of the submissions do not count toward it. Last evaluated 2024-11-13.

Conditions:
Inborn genetic diseases. Identifiers: MedGen C0950123, MeSH D030342.
Hereditary thrombocytopenia and hematologic cancer predisposition syndrome. Identifiers: Orphanet 71290, MedGen CN281654, MONDO:0011071.
Hereditary thrombocytopenia and hematological cancer predisposition syndrome associated with RUNX1. Also called: PLATELET DISORDER, ASPIRIN-LIKE; Familial Platelet Disorder with Propensity to Acute Myelogenous Leukemia; Familial thrombocytopenia with propensity to acute myelogenous leukemia; RUNX1 Familial Platelet Disorder with Associated Myeloid Malignancies. Identifiers: Orphanet 71290, MedGen C1832388, MeSH C563324, MONDO:0100083, OMIM 601399.

Allele frequency attached by ClinVar (database versions not stated): gnomAD exomes below 0.00001.

Submissions (4):

ClinGen Myeloid Malignancy Variant Curation Expert Panel
Classification: Uncertain significance for Hereditary thrombocytopenia and hematologic cancer predisposition syndrome. Last evaluated: 2024-11-13. Review status: reviewed by expert panel. Criteria: ClinGen MyeloMalig ACMG Specifications v2. Collection method: curation. Allele origin: germline. Inheritance: Autosomal dominant inheritance.
Comment: NM_001754.5(RUNX1):c.115C>T (p.Arg39Cys) is a missense variant which does not meet any ACMG/AMP criteria. In summary, the clinical significance of this variant is uncertain. ACMG/AMP criteria applied, as specified by the Myeloid Malignancy Variant Curation Expert Panel for RUNX1: None.

Ambry Genetics
Classification: Uncertain significance for Inborn genetic diseases. Last evaluated: 2025-02-28. Review status: criteria provided, single submitter. Criteria: Ambry Variant Classification Scheme 2023. Collection method: clinical testing. Allele origin: germline. Not counted in ClinVar's aggregate classification.
Comment: The p.R39C variant (also known as c.115C>T), located in coding exon 3 of the RUNX1 gene, results from a C to T substitution at nucleotide position 115. The arginine at codon 39 is replaced by cysteine, an amino acid with highly dissimilar properties. This amino acid position is conserved. In addition, this alteration is predicted to be deleterious by in silico analysis. Based on the available evidence, the clinical significance of this variant remains unclear.

GeneDx
Classification: Uncertain significance. Last evaluated: 2024-05-16. Review status: criteria provided, single submitter. Criteria: GeneDx Variant Classification Process June 2021. Collection method: clinical testing. Allele origin: germline. Affected: yes. Not counted in ClinVar's aggregate classification.
Comment: Not observed at significant frequency in large population cohorts (gnomAD); In silico analysis supports that this missense variant has a deleterious effect on protein structure/function; Has not been previously published as pathogenic or benign to our knowledge

Labcorp Genetics (formerly Invitae), Labcorp
Classification: Uncertain significance for Hereditary thrombocytopenia and hematological cancer predisposition syndrome associated with RUNX1. Last evaluated: 2019-06-16. Review status: criteria provided, single submitter. Criteria: Invitae Variant Classification Sherloc (09022015). Collection method: clinical testing. Allele origin: germline. Not counted in ClinVar's aggregate classification.
Comment: This sequence change replaces arginine with cysteine at codon 39 of the RUNX1 protein (p.Arg39Cys). The arginine residue is moderately conserved and there is a large physicochemical difference between arginine and cysteine. This variant is not present in population databases (ExAC no frequency). In summary, the available evidence is currently insufficient to determine the role of this variant in disease. Therefore, it has been classified as a Variant of Uncertain Significance. Algorithms developed to predict the effect of missense changes on protein structure and function are either unavailable or do not agree on the potential impact of this missense change (SIFT: "Deleterious"; PolyPhen-2: "Probably Damaging"; Align-GVGD: "Class C0"). This variant has not been reported in the literature in individuals with RUNX1-related conditions.